The following is an entry in ClinVar:

ClinVar aggregate classification (germline): Uncertain significance (1 of 4 stars; one submission).

Submission:

Labcorp Genetics (formerly Invitae), Labcorp
Classification: Uncertain significance. Last evaluated: 2025-05-12. Review status: criteria provided, single submitter. Criteria: Invitae Variant Classification Sherloc (09022015). Collection method: clinical testing. Allele origin: germline.
Comment: This sequence change replaces alanine, which is neutral and non-polar, with glycine, which is neutral and non-polar, at codon 1775 of the NOTCH3 protein (p.Ala1775Gly). This variant is not present in population databases (gnomAD no frequency). This variant has not been reported in the literature in individuals affected with NOTCH3-related conditions. Invitae Evidence Modeling of protein sequence and biophysical properties (such as structural, functional, and spatial information, amino acid conservation, physicochemical variation, residue mobility, and thermodynamic stability) indicates that this missense variant is not expected to disrupt NOTCH3 protein function with a negative predictive value of 95%. In summary, the available evidence is currently insufficient to determine the role of this variant in disease. Therefore, it has been classified as a Variant of Uncertain Significance.

NM_000435.3(NOTCH3):c.5324C>G (p.Ala1775Gly)

Gene: NOTCH3 (notch receptor 3; minus strand). Cytogenetic location: 19p13.12.
Variant type: single nucleotide variant.
Coding change: c.5324C>G on transcript NM_000435.3 (MANE Select); coding-DNA position 5324, C replaced by G.
Protein change: p.Ala1775Gly; replaces alanine 1775 with glycine.
Molecular consequence: missense variant.
Genome position (GRCh38, 1-based): chr19:15,167,287, G>C on the plus strand (C>G on the coding strand, the complement: NOTCH3 is on the minus strand). VCF-style: chr19-15167287-G-C. GRCh37 (hg19) VCF-style: chr19-15278098-G-C.
Other names: short protein forms A1775G.
Identifiers: ClinVar variation 4802095 (VCV004802095.1).